The following is an entry in ClinVar:

NM_001297.5(CNGB1):c.2370-87_2372del

Gene: CNGB1 (cyclic nucleotide gated channel subunit beta 1; minus strand). Cytogenetic location: 16q21.
Variant type: Deletion.
Coding change: c.2370-87_2372del on transcript NM_001297.5 (MANE Select); 87 bases into the intron before coding-DNA position 2370 through coding-DNA position 2372, 90 bases deleted.
Molecular consequence: splice acceptor variant.
Genome position (GRCh38, 1-based): chr16:57,911,873-57,911,962, 90 bases deleted. GRCh37 (hg19): chr16:57,945,777-57,945,866.
Other names: c.2352-87_2354del (NM_001286130.2).
Identifiers: ClinVar variation 2861910 (VCV002861910.3), dbSNP rs2544627335, ClinGen allele CA2739266818.

ClinVar aggregate classification (germline): Likely pathogenic (1 of 4 stars; one submission).

Submission:

Labcorp Genetics (formerly Invitae), Labcorp
Classification: Likely pathogenic. Last evaluated: 2023-05-04. Review status: criteria provided, single submitter. Criteria: Invitae Variant Classification Sherloc (09022015). Collection method: clinical testing. Allele origin: germline.
Comment: In summary, the currently available evidence indicates that the variant is pathogenic, but additional data are needed to prove that conclusively. Therefore, this variant has been classified as Likely Pathogenic. Algorithms developed to predict the effect of sequence changes on RNA splicing suggest that this variant may disrupt the consensus splice site. This variant has not been reported in the literature in individuals affected with CNGB1-related conditions. This variant is not present in population databases (gnomAD no frequency). This variant results in the deletion of part of exon 25 (c.2370-87_2372del) of the CNGB1 gene. It is expected to disrupt RNA splicing. Variants that disrupt the donor or acceptor splice site typically lead to a loss of protein function (PMID: 16199547), and loss-of-function variants in CNGB1 are known to be pathogenic (PMID: 15557452, 24043777).

Literature cited by the submitters: PubMed 16199547; PubMed 15557452; PubMed 24043777.